The following is an entry in ClinVar:

ClinVar aggregate classification (germline): Uncertain significance (1 of 4 stars; one submission).

Submission:

GeneDx
Classification: Uncertain significance. Last evaluated: 2022-11-11. Review status: criteria provided, single submitter. Criteria: GeneDx Variant Classification Process June 2021. Collection method: clinical testing. Allele origin: germline. Affected: yes.
Comment: Not observed at significant frequency in large population cohorts (gnomAD); In silico analysis supports that this missense variant does not alter protein structure/function; Has not been previously published as pathogenic or benign to our knowledge

NM_004423.4(DVL3):c.1604C>A (p.Ala535Asp)

Gene: DVL3 (dishevelled segment polarity protein 3; plus strand). Cytogenetic location: 3q27.1.
Variant type: single nucleotide variant.
Coding change: c.1604C>A on transcript NM_004423.4 (MANE Select); coding-DNA position 1604, C replaced by A.
Protein change: p.Ala535Asp; replaces alanine 535 with aspartic acid.
Molecular consequence: missense variant.
Genome position (GRCh38, 1-based): chr3:184,170,111, C>A. VCF-style: chr3-184170111-C-A. GRCh37 (hg19) VCF-style: chr3-183887899-C-A.
Other names: short protein forms A535D.
Identifiers: ClinVar variation 2501848 (VCV002501848.1), dbSNP rs765162559, ClinGen allele CA355415026.